The following is an entry in ClinVar:

ClinVar aggregate classification (germline): Uncertain significance (1 of 4 stars; one submission).

Allele frequency attached by ClinVar (database versions not stated): gnomAD exomes 0.00001 and 0.00002; ExAC 0.00003; gnomAD 0.00004 and 0.00005; TOPMed 0.00004; 1000 Genomes Project 30x 0.00031.

Submission:

Labcorp Genetics (formerly Invitae), Labcorp
Classification: Uncertain significance. Last evaluated: 2025-01-06. Review status: criteria provided, single submitter. Criteria: Invitae Variant Classification Sherloc (09022015). Collection method: clinical testing. Allele origin: germline.
Comment: This variant, c.2905_2907del, results in the deletion of 1 amino acid(s) of the KIF11 protein (p.Lys969del), but otherwise preserves the integrity of the reading frame. This variant is present in population databases (rs770073419, gnomAD 0.03%). This variant has not been reported in the literature in individuals affected with KIF11-related conditions. ClinVar contains an entry for this variant (Variation ID: 1398615). Experimental studies and prediction algorithms are not available or were not evaluated, and the functional significance of this variant is currently unknown. In summary, the available evidence is currently insufficient to determine the role of this variant in disease. Therefore, it has been classified as a Variant of Uncertain Significance.

NM_004523.4(KIF11):c.2905_2907del (p.Lys969del)

Gene: KIF11 (kinesin family member 11; plus strand). Cytogenetic location: 10q23.33.
Variant type: Deletion.
Coding change: c.2905_2907del on transcript NM_004523.4 (MANE Select); coding-DNA positions 2905 to 2907, 3 bases deleted (AAA; older notation c.2905_2907delAAA).
Protein change: p.Lys969del; deletes lysine 969.
Molecular consequence: inframe deletion.
Genome position (GRCh38, 1-based): chr10:92,649,969-92,649,971, AAA deleted. VCF-style (leftmost placement, unchanged base first): chr10-92649968-CAAA-C. GRCh37 (hg19) VCF-style: chr10-94409725-CAAA-C.
Other names: short protein forms K969del.
Identifiers: ClinVar variation 1398615 (VCV001398615.8), dbSNP rs770073419, ClinGen allele CA5604487.